The following is an entry in ClinVar:

ClinVar aggregate classification (germline): Likely pathogenic (1 of 4 stars; one submission).

Conditions:
Mucopolysaccharidosis, MPS-II (MPS2). Also called: Mucopolysaccharidosis type 2; Attenuated MPS (subtype; formerly known as mild MPS II); Severe MPS II; I2S deficiency; MPS 2; Hunter Syndrome. Identifiers: Orphanet 580, Orphanet 79388, MedGen C0026705, MONDO:0010674, OMIM 309900.

Submission:

3billion
Classification: Likely pathogenic for Mucopolysaccharidosis, MPS-II. Last evaluated: 2024-09-29. Review status: criteria provided, single submitter. Criteria: ACMG Guidelines, 2015. Collection method: clinical testing. Allele origin: germline. Affected: yes.
Comment: The variant is not observed in the gnomAD v4.1.0 dataset. Predicted Consequence/Location: Frameshift: predicted to result in a loss or disruption of normal protein function through nonsense-mediated decay (NMD) or protein truncation. Multiple pathogenic variants are reported downstream of the variant. Therefore, this variant is classified as Likely pathogenic according to the recommendation of ACMG/AMP guideline.

NM_000202.8(IDS):c.542del (p.Asn181fs)

Genes: IDS (iduronate 2-sulfatase; minus strand), LOC106050102 (IDS recombination region; plus strand). Cytogenetic location: Xq28.
Variant type: Deletion.
Coding change: c.542del on transcript NM_000202.8 (MANE Select); coding-DNA position 542, one base deleted (A; older notation c.542delA).
Protein change: p.Asn181fs; shifts the reading frame from asparagine 181.
Molecular consequence: frameshift variant. On other transcripts: non-coding transcript variant (1).
Genome position (GRCh38, 1-based): chrX:149,498,273, T deleted on the plus strand (A on the coding strand, the reverse complement: IDS is on the minus strand); the first of 2 consecutive T bases (chrX:149,498,273-149,498,274); deleting either gives the same sequence. VCF-style (leftmost placement, unchanged base first): chrX-149498272-GT-G. GRCh37 (hg19) VCF-style: chrX-148579803-GT-G.
Other names: c.272del, p.Asn91fs (NM_001166550.4); c.542del, p.Asn181fs (NM_006123.5); short protein forms N181fs, N91fs.
Identifiers: ClinVar variation 4293535 (VCV004293535.1).